The following is an entry in ClinVar:

ClinVar aggregate classification (germline): Uncertain significance (1 of 4 stars; one submission).

Conditions:
Hereditary cancer-predisposing syndrome. Also called: Tumor predisposition; Neoplastic Syndromes, Hereditary; Hereditary neoplastic syndrome; Hereditary Cancer Syndrome. Identifiers: Orphanet 140162, MedGen C0027672, MeSH D009386, MONDO:0015356.

gnomAD v4.1: 1 of 1,614,126 alleles (0.000062%); highest among the groups gnomAD compares: Non-Finnish European, 0.000085%; no homozygotes.

Submission:

Ambry Genetics
Classification: Uncertain significance for Hereditary cancer-predisposing syndrome. Last evaluated: 2025-07-28. Review status: criteria provided, single submitter. Criteria: Ambry Variant Classification Scheme 2023. Collection method: clinical testing. Allele origin: germline.
Comment: The p.M239L variant (also known as c.715A>C), located in coding exon 8 of the MITF gene, results from an A to C substitution at nucleotide position 715. The methionine at codon 239 is replaced by leucine, an amino acid with highly similar properties. This amino acid position is conserved. In addition, this alteration is predicted to be deleterious by in silico analysis. Based on the available evidence, the clinical significance of this variant remains unclear.

NM_001354604.2(MITF):c.1036A>C (p.Met346Leu)

Gene: MITF (melanocyte inducing transcription factor; plus strand). Cytogenetic location: 3p13.
Variant type: single nucleotide variant.
Coding change: c.1036A>C on transcript NM_001354604.2 (MANE Select); coding-DNA position 1036, A replaced by C.
Protein change: p.Met346Leu; replaces methionine 346 with leucine.
Molecular consequence: missense variant.
Genome position (GRCh38, 1-based): chr3:69,959,277, A>C. VCF-style: chr3-69959277-A-C. GRCh37 (hg19) VCF-style: chr3-70008428-A-C.
Other names: c.715A>C, p.Met239Leu (NM_000248.4); c.862A>C, p.Met288Leu (NM_001184967.2, NM_001354608.2); c.1033A>C, p.Met345Leu (NM_001354605.2); c.1015A>C, p.Met339Leu (NM_001354606.2, NM_006722.3); c.967A>C, p.Met323Leu (NM_001354607.2); c.697A>C, p.Met233Leu (NM_198158.3); c.1018A>C, p.Met340Leu (NM_198159.3); c.970A>C, p.Met324Leu (NM_198177.3); and 1 more; short protein forms M177L, M339L, M340L, M233L, M288L, M239L, M323L, M324L.
Identifiers: ClinVar variation 4108294 (VCV004108294.1).